The following is an entry in ClinVar:

NM_153240.5(NPHP3):c.3233T>C (p.Leu1078Ser)

Genes: NPHP3 (nephrocystin 3; minus strand), NPHP3-ACAD11 (NPHP3-ACAD11 readthrough (NMD candidate); minus strand). Cytogenetic location: 3q22.1.
Variant type: single nucleotide variant.
Coding change: c.3233T>C on transcript NM_153240.5 (MANE Select); coding-DNA position 3233, T replaced by C.
Protein change: p.Leu1078Ser; replaces leucine 1078 with serine.
Molecular consequence: missense variant. On other transcripts: non-coding transcript variant (1).
Genome position (GRCh38, 1-based): chr3:132,686,356, A>G on the plus strand (T>C on the coding strand, the complement: NPHP3 is on the minus strand). VCF-style: chr3-132686356-A-G. GRCh37 (hg19) VCF-style: chr3-132405200-A-G.
Other names: short protein forms L1078S.
Identifiers: ClinVar variation 4745610 (VCV004745610.1).

ClinVar aggregate classification (germline): Uncertain significance (1 of 4 stars; one submission).

Conditions:
Nephronophthisis. Also called: Juvenile Nephronophthisis. Identifiers: Orphanet 655, MedGen C0687120, MONDO:0019005, HP:0000090.

gnomAD v4.1: 1 of 1,614,130 alleles (0.000062%); highest among the groups gnomAD compares: Non-Finnish European, 0.000085%; no homozygotes.

Submission:

Labcorp Genetics (formerly Invitae), Labcorp
Classification: Uncertain significance for Nephronophthisis. Last evaluated: 2025-08-25. Review status: criteria provided, single submitter. Criteria: Invitae Variant Classification Sherloc (09022015). Collection method: clinical testing. Allele origin: germline.
Comment: This sequence change replaces leucine, which is neutral and non-polar, with serine, which is neutral and polar, at codon 1078 of the NPHP3 protein (p.Leu1078Ser). This variant is not present in population databases (gnomAD no frequency). This variant has not been reported in the literature in individuals affected with NPHP3-related conditions. Invitae Evidence Modeling of protein sequence and biophysical properties (such as structural, functional, and spatial information, amino acid conservation, physicochemical variation, residue mobility, and thermodynamic stability) indicates that this missense variant is expected to disrupt NPHP3 protein function with a positive predictive value of 80%. In summary, the available evidence is currently insufficient to determine the role of this variant in disease. Therefore, it has been classified as a Variant of Uncertain Significance.